The following is an entry in ClinVar:

ClinVar aggregate classification (germline): Uncertain significance (1 of 4 stars; one submission).

Conditions:
TH-deficient dopa-responsive dystonia. Also called: Tyrosine Hydroxylase-Deficient Dopa-Responsive Dystonia; Segawa syndrome, autosomal recessive; DYT-TH. Identifiers: Orphanet 101150, MedGen C2673535, MONDO:0011551, OMIM 605407.

Allele frequency attached by ClinVar (database versions not stated): TOPMed below 0.00001; gnomAD exomes 0.00001; gnomAD 0.00003.
gnomAD v4.1: 10 of 1,559,730 alleles (0.00064%); highest among the groups gnomAD compares: African/African-American, 0.0081%; no homozygotes.

Submission:

Labcorp Genetics (formerly Invitae), Labcorp
Classification: Uncertain significance for TH-deficient dopa-responsive dystonia. Last evaluated: 2022-08-10. Review status: criteria provided, single submitter. Criteria: Invitae Variant Classification Sherloc (09022015). Collection method: clinical testing. Allele origin: germline.
Comment: This sequence change replaces alanine, which is neutral and non-polar, with threonine, which is neutral and polar, at codon 389 of the TH protein (p.Ala389Thr). This variant is not present in population databases (gnomAD no frequency). This variant has not been reported in the literature in individuals affected with TH-related conditions. Advanced modeling of protein sequence and biophysical properties (such as structural, functional, and spatial information, amino acid conservation, physicochemical variation, residue mobility, and thermodynamic stability) performed at Invitae indicates that this missense variant is expected to disrupt TH protein function. In summary, the available evidence is currently insufficient to determine the role of this variant in disease. Therefore, it has been classified as a Variant of Uncertain Significance.

NM_000360.4(TH):c.1072G>A (p.Ala358Thr)

Gene: TH (tyrosine hydroxylase; minus strand). Cytogenetic location: 11p15.5.
Variant type: single nucleotide variant.
Coding change: c.1072G>A on transcript NM_000360.4 (MANE Select); coding-DNA position 1072, G replaced by A.
Protein change: p.Ala358Thr; replaces alanine 358 with threonine.
Molecular consequence: missense variant.
Genome position (GRCh38, 1-based): chr11:2,166,034, C>T on the plus strand (G>A on the coding strand, the complement: TH is on the minus strand). VCF-style: chr11-2166034-C-T. GRCh37 (hg19) VCF-style: chr11-2187264-C-T.
Other names: c.1165G>A, p.Ala389Thr (NM_199292.3); c.1153G>A, p.Ala385Thr (NM_199293.3); short protein forms A358T, A385T, A389T.
Identifiers: ClinVar variation 2420380 (VCV002420380.3), dbSNP rs1043255181, ClinGen allele CA216284100.